The following is an entry in ClinVar:

ClinVar aggregate classification (germline): Pathogenic (1 of 4 stars; one submission).

Conditions:
Wilson disease (WND). Also called: Wilson's disease. Identifiers: Orphanet 905, MedGen C0019202, MONDO:0010200, OMIM 277900. Disease mechanism: loss of function.

gnomAD v4.1: 5 of 1,613,818 alleles (0.00031%); highest among the groups gnomAD compares: Non-Finnish European, 0.00042%; no homozygotes.

Submission:

Chongqing Key Laboratory of Child Rare Diseases in Infection and Immunity, Children’s Hospital of Chongqing Medical University
Classification: Pathogenic for Wilson disease. Last evaluated: 2024-01-01. Review status: criteria provided, single submitter. Criteria: ACMG Guidelines, 2015. Collection method: clinical testing. Allele origin: germline. Inheritance: Autosomal recessive inheritance. Affected: yes.
Comment: Classified as Pathogenic according to the ACMG/AMP 2015 guidelines (PMID:25741868). The classification was based on the available submitted evidence for Wilson disease (OMIM:277900), including clinical-testing observations, variant consequence/protein annotation, and published or ClinVar evidence where available. Supporting information considered: variant annotation: p.Cys490Ter; Nonsense; Protein domain: N-ter (MBD1-6); submitted notation: NM_000053.4:c.1004C>A (p.Cys490Ter); source variant type: Nonsense; source domain: N-ter (MBD1-6); allele count n=230: 1.

NM_000053.4(ATP7B):c.1004G>A (p.Gly335Glu)

Gene: ATP7B (ATPase copper transporting beta; minus strand). Cytogenetic location: 13q14.3.
Variant type: single nucleotide variant.
Coding change: c.1004G>A on transcript NM_000053.4 (MANE Select); coding-DNA position 1004, G replaced by A.
Protein change: p.Gly335Glu; replaces glycine 335 with glutamic acid.
Molecular consequence: missense variant. On other transcripts: intron variant (2).
Genome position (GRCh38, 1-based): chr13:51,974,216, C>T on the plus strand (G>A on the coding strand, the complement: ATP7B is on the minus strand). VCF-style: chr13-51974216-C-T. GRCh37 (hg19) VCF-style: chr13-52548352-C-T.
Other names: c.1004G>A, p.Gly335Glu (NM_001406535.1, NM_001406537.1, NM_001406538.1 and 29 more transcripts); c.908G>A, p.Gly303Glu (NM_001406536.1, NM_001406543.1, NM_001406544.1 and 3 more transcripts); c.803-132G>A (NM_001243182.2); c.707-132G>A (NM_001406539.1); short protein forms G303E, G335E.
Identifiers: ClinVar variation 4852546 (VCV004852546.1).